The following is an entry in ClinVar:

NM_001289125.3(IFNAR2):c.1081G>C (p.Asp361His)

Genes: IFNAR2 (interferon alpha and beta receptor subunit 2; plus strand), IFNAR2-IL10RB (IFNAR2-IL10RB readthrough; plus strand). Cytogenetic location: 21q22.11.
Variant type: single nucleotide variant.
Coding change: c.1081G>C on transcript NM_001289125.3 (MANE Select); coding-DNA position 1081, G replaced by C.
Protein change: p.Asp361His; replaces aspartic acid 361 with histidine.
Molecular consequence: missense variant. On other transcripts: 3 prime UTR variant (5), intron variant (1).
Genome position (GRCh38, 1-based): chr21:33,263,033, G>C. VCF-style: chr21-33263033-G-C. GRCh37 (hg19) VCF-style: chr21-34635338-G-C.
Other names: c.*317G>C (NM_000874.5, NM_207584.3); c.*230G>C (NM_001289126.2, NM_001289128.2); c.*456G>C (NM_001385054.1); c.1081G>C, p.Asp361His (NM_001385055.1, NM_207585.3); c.710-5361G>C (NM_001414505.1); short protein forms D361H.
Identifiers: ClinVar variation 4764229 (VCV004764229.1).

ClinVar aggregate classification (germline): Uncertain significance (1 of 4 stars; one submission).

Submission:

Labcorp Genetics (formerly Invitae), Labcorp
Classification: Uncertain significance. Last evaluated: 2025-06-30. Review status: criteria provided, single submitter. Criteria: Invitae Variant Classification Sherloc (09022015). Collection method: clinical testing. Allele origin: germline.
Comment: This sequence change replaces aspartic acid, which is acidic and polar, with histidine, which is basic and polar, at codon 361 of the IFNAR2 protein (p.Asp361His). This variant is not present in population databases (gnomAD no frequency). This variant has not been reported in the literature in individuals affected with IFNAR2-related conditions. An algorithm developed to predict the effect of missense changes on protein structure and function (PolyPhen-2) suggests that this variant is likely to be disruptive. In summary, the available evidence is currently insufficient to determine the role of this variant in disease. Therefore, it has been classified as a Variant of Uncertain Significance.